The following is an entry in ClinVar:

NM_015559.3(SETBP1):c.4714C>T (p.Pro1572Ser)

Gene: SETBP1 (SET binding protein 1; plus strand). Cytogenetic location: 18q12.3.
Variant type: single nucleotide variant.
Coding change: c.4714C>T on transcript NM_015559.3 (MANE Select); coding-DNA position 4714, C replaced by T.
Protein change: p.Pro1572Ser; replaces proline 1572 with serine.
Molecular consequence: missense variant.
Genome position (GRCh38, 1-based): chr18:45,063,621, C>T. VCF-style: chr18-45063621-C-T. GRCh37 (hg19) VCF-style: chr18-42643586-C-T.
Other names: c.4714C>T, p.Pro1572Ser (NM_001379141.1, NM_001379142.1); c.4543C>T, p.Pro1515Ser (NM_001410862.1); short protein forms P1515S, P1572S.
Identifiers: ClinVar variation 2788660 (VCV002788660.3), dbSNP rs779217075, ClinGen allele CA8946169.

ClinVar aggregate classification (germline): Uncertain significance (1 of 4 stars; one submission).

Allele frequency attached by ClinVar (database versions not stated): ExAC 0.00002.

Submission:

Labcorp Genetics (formerly Invitae), Labcorp
Classification: Uncertain significance. Last evaluated: 2022-12-04. Review status: criteria provided, single submitter. Criteria: Invitae Variant Classification Sherloc (09022015). Collection method: clinical testing. Allele origin: germline.
Comment: This variant has not been reported in the literature in individuals affected with SETBP1-related conditions. The frequency data for this variant in the population databases is considered unreliable, as metrics indicate poor data quality at this position in the gnomAD database. This sequence change replaces proline, which is neutral and non-polar, with serine, which is neutral and polar, at codon 1572 of the SETBP1 protein (p.Pro1572Ser). Algorithms developed to predict the effect of missense changes on protein structure and function are either unavailable or do not agree on the potential impact of this missense change (SIFT: "Deleterious"; PolyPhen-2: "Benign"; Align-GVGD: "Class C0"). In summary, the available evidence is currently insufficient to determine the role of this variant in disease. Therefore, it has been classified as a Variant of Uncertain Significance.